The following is an entry in ClinVar:

NM_005188.4(CBL):c.1450C>G (p.Pro484Ala)

Gene: CBL (Cbl proto-oncogene; plus strand). Cytogenetic location: 11q23.3.
Variant type: single nucleotide variant.
Coding change: c.1450C>G on transcript NM_005188.4 (MANE Select); coding-DNA position 1450, C replaced by G.
Protein change: p.Pro484Ala; replaces proline 484 with alanine.
Molecular consequence: missense variant.
Genome position (GRCh38, 1-based): chr11:119,284,987, C>G. VCF-style: chr11-119284987-C-G. GRCh37 (hg19) VCF-style: chr11-119155697-C-G.
Other names: short protein forms P484A.
Identifiers: ClinVar variation 5033765 (VCV005033765.1).

ClinVar aggregate classification (germline): Uncertain significance (1 of 4 stars; one submission).

Conditions:
Cardiovascular phenotype. Identifiers: MedGen CN230736.

Submission:

Ambry Genetics
Classification: Uncertain significance for Cardiovascular phenotype. Last evaluated: 2026-08-13. Review status: criteria provided, single submitter. Criteria: Ambry Variant Classification Scheme 2023. Collection method: clinical testing. Allele origin: germline.
Comment: The p.P484A variant (also known as c.1450C>G), located in coding exon 10 of the CBL gene, results from a C to G substitution at nucleotide position 1450. The proline at codon 484 is replaced by alanine, an amino acid with highly similar properties. This amino acid position is conserved. In addition, the in silico prediction for this alteration is inconclusive. Based on the available evidence, the clinical significance of this variant remains unclear.